The following is an entry in ClinVar:

NM_004360.5(CDH1):c.878dup (p.Asn294fs)

Gene: CDH1 (cadherin 1; plus strand). Cytogenetic location: 16q22.1.
Variant type: Duplication.
Coding change: c.878dup on transcript NM_004360.5 (MANE Select); coding-DNA position 878, one base duplicated (T; older notation c.878dupT).
Protein change: p.Asn294fs; shifts the reading frame from asparagine 294.
Molecular consequence: frameshift variant. On other transcripts: 5 prime UTR variant (2).
Genome position (GRCh38, 1-based): chr16:68,811,729, T duplicated. VCF-style (leftmost placement, unchanged base first): chr16-68811728-G-GT. GRCh37 (hg19) VCF-style: chr16-68845631-G-GT.
Other names: c.878dup, p.Asn294fs (NM_001317184.2); c.-738dup (NM_001317185.2); c.-942dup (NM_001317186.2); short protein forms N294fs.
Identifiers: ClinVar variation 2583195 (VCV002583195.2), dbSNP rs2543922243, ClinGen allele CA2582342559.

ClinVar aggregate classification (germline): Pathogenic (1 of 4 stars; one submission).

Conditions:
Hereditary diffuse gastric adenocarcinoma (HDGC). Also called: DIFFUSE GASTRIC AND LOBULAR BREAST CANCER SYNDROME. Identifiers: Orphanet 26106, MedGen C1708349, MONDO:0007648, OMIM 137215.

Submission:

Myriad Genetics, Inc.
Classification: Pathogenic for Hereditary diffuse gastric adenocarcinoma. Last evaluated: 2023-06-12. Review status: criteria provided, single submitter. Criteria: Myriad Autosomal Dominant, Autosomal Recessive and X-Linked Classification Criteria (2023). Collection method: clinical testing. Allele origin: unknown.
Comment: This variant is considered pathogenic. This variant creates a frameshift predicted to result in premature protein truncation.